The following is an entry in ClinVar:

ClinVar aggregate classification (germline): Pathogenic. Review status: criteria provided, multiple submitters, no conflicts (2 of 4 stars). 2 submissions from 2 submitters: Pathogenic (2). Last evaluated 2025-01-27.

Conditions:
PRPF8-related disorder. Also called: PRPF8-related condition.

Submissions (2):

Labcorp Genetics (formerly Invitae), Labcorp
Classification: Pathogenic. Last evaluated: 2025-01-27. Review status: criteria provided, single submitter. Criteria: Invitae Variant Classification Sherloc (09022015). Collection method: clinical testing. Allele origin: germline.
Comment: This sequence change replaces phenylalanine, which is neutral and non-polar, with leucine, which is neutral and non-polar, at codon 2314 of the PRPF8 protein (p.Phe2314Leu). This variant is not present in population databases (gnomAD no frequency). This missense change has been observed in individuals with retinal dystrophy (PMID: 11468273, 31087526; internal data). ClinVar contains an entry for this variant (Variation ID: 1066428). Invitae Evidence Modeling of protein sequence and biophysical properties (such as structural, functional, and spatial information, amino acid conservation, physicochemical variation, residue mobility, and thermodynamic stability) has been performed for this missense variant. However, the output from this modeling did not meet the statistical confidence thresholds required to predict the impact of this variant on PRPF8 protein function. Experimental studies have shown that this missense change affects PRPF8 function (PMID: 28515276). This variant disrupts the p.Phe2314 amino acid residue in PRPF8. Other variant(s) that disrupt this residue have been determined to be pathogenic (PMID: 11468273, 31087526; internal data). This suggests that this residue is clinically significant, and that variants that disrupt this residue are likely to be disease-causing. For these reasons, this variant has been classified as Pathogenic.

Blueprint Genetics
Classification: Pathogenic for PRPF8-related disorders. Last evaluated: 2022-01-14. Review status: criteria provided, single submitter. Criteria: ACMG Guidelines, 2015. Collection method: clinical testing. Allele origin: germline. Affected: yes. Observed: 4 variant alleles.

Literature cited by the submitters: PubMed 11468273 (cited by Labcorp Genetics (formerly Invitae), Labcorp); PubMed 31087526 (cited by Labcorp Genetics (formerly Invitae), Labcorp); PubMed 28515276 (cited by Labcorp Genetics (formerly Invitae), Labcorp).

NM_006445.4(PRPF8):c.6942C>G (p.Phe2314Leu)

Gene: PRPF8 (pre-mRNA processing factor 8; minus strand). Cytogenetic location: 17p13.3.
Variant type: single nucleotide variant.
Coding change: c.6942C>G on transcript NM_006445.4 (MANE Select); coding-DNA position 6942, C replaced by G.
Protein change: p.Phe2314Leu; replaces phenylalanine 2314 with leucine.
Molecular consequence: missense variant.
Genome position (GRCh38, 1-based): chr17:1,650,868, G>C on the plus strand (C>G on the coding strand, the complement: PRPF8 is on the minus strand). VCF-style: chr17-1650868-G-C. GRCh37 (hg19) VCF-style: chr17-1554162-G-C.
Other names: short protein forms F2314L.
Identifiers: ClinVar variation 1066428 (VCV001066428.6), dbSNP rs1911000715, ClinGen allele CA397561942.